The following is an entry in ClinVar:

ClinVar aggregate classification (germline): Uncertain significance (1 of 4 stars; one submission).

gnomAD v4.1: 12 of 1,210,224 alleles (0.00099%); highest among the groups gnomAD compares: Non-Finnish European, 0.0013%; no homozygotes.

Submission:

Labcorp Genetics (formerly Invitae), Labcorp
Classification: Uncertain significance. Last evaluated: 2024-12-31. Review status: criteria provided, single submitter. Criteria: Invitae Variant Classification Sherloc (09022015). Collection method: clinical testing. Allele origin: germline.
Comment: This sequence change replaces proline, which is neutral and non-polar, with glutamine, which is neutral and polar, at codon 698 of the FRMD7 protein (p.Pro698Gln). The frequency data for this variant in the population databases is considered unreliable, as metrics indicate poor data quality at this position in the gnomAD database. This variant has not been reported in the literature in individuals affected with FRMD7-related conditions. An algorithm developed to predict the effect of missense changes on protein structure and function (PolyPhen-2) suggests that this variant is likely to be tolerated. In summary, the available evidence is currently insufficient to determine the role of this variant in disease. Therefore, it has been classified as a Variant of Uncertain Significance.

NM_194277.3(FRMD7):c.2093C>A (p.Pro698Gln)

Gene: FRMD7 (FERM domain containing 7; minus strand). Cytogenetic location: Xq26.2.
Variant type: single nucleotide variant.
Coding change: c.2093C>A on transcript NM_194277.3 (MANE Select); coding-DNA position 2093, C replaced by A.
Protein change: p.Pro698Gln; replaces proline 698 with glutamine.
Molecular consequence: missense variant.
Genome position (GRCh38, 1-based): chrX:132,077,924, G>T on the plus strand (C>A on the coding strand, the complement: FRMD7 is on the minus strand). VCF-style: chrX-132077924-G-T. GRCh37 (hg19) VCF-style: chrX-131211952-G-T.
Other names: c.2048C>A, p.Pro683Gln (NM_001306193.2); short protein forms P683Q, P698Q.
Identifiers: ClinVar variation 3680356 (VCV003680356.2).
Genomic context (GRCh38, chrX:132,077,924, plus strand): 5'-TCACACTTTTAAGCTAAAAAGTAATTACATGGTTTTAGTGAAGTCCTGTCTTCAGCAGTT[G>T]GTGTGTTGAAATAAGCATCTTCATCTTCTTCATCTAACTGTAGACTACCAGAAGACAGGC-3'
Protein context (NP_919253.1, residues 688-708): EEDEDAYFNT[Pro698Gln]TAEDRTSLKP